The following is an entry in ClinVar:

ClinVar aggregate classification (germline): Benign (1 of 4 stars; one submission).

Allele frequency attached by ClinVar (database versions not stated): ESP Exome Variant Server 0.00085; 1000 Genomes Project 0.00100; 1000 Genomes Project 30x 0.00109.
gnomAD v4.1: 263 of 1,593,860 alleles (0.017%); highest among the groups gnomAD compares: African/African-American, 0.34%; 1 homozygote.

Submission:

Women's Health and Genetics/Laboratory Corporation of America, LabCorp
Classification: Benign. Last evaluated: 2025-01-07. Review status: criteria provided, single submitter. Criteria: LabCorp Variant Classification Summary - May 2015. Collection method: clinical testing. Allele origin: germline.
Comment: Variant summary: SNX14 c.*14G>T is located in the untranslated mRNA region downstream of the termination codon. The variant allele was found at a frequency of 0.00018 in 250450 control chromosomes, predominantly at a frequency of 0.0027 within the African or African-American subpopulation in the gnomAD database. The observed variant frequency within African or African-American control individuals in the gnomAD database exceeds the estimated maximal expected allele frequency for a pathogenic variant in SNX14 causing Autosomal Recessive Spinocerebellar Ataxia 20 phenotype. To our knowledge, no occurrence of c.*14G>T in individuals affected with Autosomal Recessive Spinocerebellar Ataxia 20 and no experimental evidence demonstrating its impact on protein function have been reported. ClinVar contains an entry for this variant (Variation ID: 2581358). Based on the evidence outlined above, the variant was classified as benign.

NM_153816.6(SNX14):c.*14G>T

Gene: SNX14 (sorting nexin 14; minus strand). Cytogenetic location: 6q14.3.
Variant type: single nucleotide variant.
Coding change: c.*14G>T on transcript NM_153816.6 (MANE Select); 14 bases downstream of the stop codon, G replaced by T.
Molecular consequence: 3 prime UTR variant. On other transcripts: non-coding transcript variant (6).
Genome position (GRCh38, 1-based): chr6:85,505,953, C>A on the plus strand (G>T on the coding strand, the complement: SNX14 is on the minus strand). VCF-style: chr6-85505953-C-A. GRCh37 (hg19) VCF-style: chr6-86215671-C-A.
Other names: c.*14G>T (NM_001297614.3, NM_001304479.2, NM_001350532.2 and 22 more transcripts).
Identifiers: ClinVar variation 2581358 (VCV002581358.2), dbSNP rs61745951, ClinGen allele CA3911736.